The following is an entry in ClinVar:

NM_138927.4(SON):c.711C>T (p.Ser237=)

Gene: SON (SON DNA and RNA binding protein; plus strand). Cytogenetic location: 21q22.11.
Variant type: single nucleotide variant.
Coding change: c.711C>T on transcript NM_138927.4 (MANE Select); coding-DNA position 711, C replaced by T.
Protein change: p.Ser237=; no amino-acid change (serine 237 retained).
Molecular consequence: synonymous variant. On other transcripts: non-coding transcript variant (1), intron variant (1).
Genome position (GRCh38, 1-based): chr21:33,549,942, C>T. VCF-style: chr21-33549942-C-T. GRCh37 (hg19) VCF-style: chr21-34922248-C-T.
Other names: c.711C>T, p.Ser237= (NM_001291411.2, NM_032195.3); c.244+3563C>T (NM_001291412.3).
Identifiers: ClinVar variation 3905315 (VCV003905315.11).
Genomic context (GRCh38, chr21:33,549,942, plus strand): 5'-ATCTACATCAGTAATCTCAGAGCAGTCAGAGCAGTCTGTGGCAGTAATGCCAGAACCATC[C>T]ATGACAAAGATTCTGGATTCCTTTGCAGCAGCACCAGTGCCTACTACAACACTGGTGTTG-3'
Protein context (NP_620305.3, residues 227-247): EQSVAVMPEP[Ser237=]MTKILDSFAA

ClinVar aggregate classification (germline): Likely benign. Review status: criteria provided, multiple submitters, no conflicts (2 of 4 stars). 2 submissions from 2 submitters: Likely benign (2). Last evaluated 2025-05-01.

Submissions (2):

CeGaT Center for Human Genetics Tuebingen
Classification: Likely benign. Last evaluated: 2025-05-01. Review status: criteria provided, single submitter. Criteria: CeGaT Center For Human Genetics Tuebingen Variant Classification Criteria Version 2. Collection method: clinical testing. Allele origin: germline. Affected: yes. Observed: 1 variant allele.
Comment: SON: BP4, BP7

Blueprint Genetics
Classification: Likely benign. Last evaluated: 2024-03-01. Review status: criteria provided, single submitter. Criteria: ACMG Guidelines, 2015. Collection method: clinical testing. Allele origin: germline.